The following is an entry in ClinVar:

NM_007254.4(PNKP):c.311T>C (p.Leu104Pro)

Gene: PNKP (polynucleotide kinase 3'-phosphatase; minus strand). Cytogenetic location: 19q13.33.
Variant type: single nucleotide variant.
Coding change: c.311T>C on transcript NM_007254.4 (MANE Select); coding-DNA position 311, T replaced by C.
Protein change: p.Leu104Pro; replaces leucine 104 with proline.
Molecular consequence: missense variant.
Genome position (GRCh38, 1-based): chr19:49,865,314, A>G on the plus strand (T>C on the coding strand, the complement: PNKP is on the minus strand). VCF-style: chr19-49865314-A-G. GRCh37 (hg19) VCF-style: chr19-50368571-A-G.
Other names: short protein forms L104P.
Identifiers: ClinVar variation 988584 (VCV000988584.3), dbSNP rs1159790949, ClinGen allele CA406890493.
Genomic context (GRCh38, chr19:49,865,314, plus strand): 5'-AGAGGGGTGCCAGGCGGAGTATCTGGCTGGGATTCTGGTGTGCGGGTCTCTTCCCAGCGC[A>G]GGGTCAGTGGGTGGAGGCCATTGACCAAATACAGTGTGTCCCCCACCCCCAGAGAGCCCT-3'
Protein context (NP_009185.2, residues 94-114): YLVNGLHPLT[Leu104Pro]RWEETRTPES

ClinVar aggregate classification (germline): Uncertain significance (1 of 4 stars; one submission).

Conditions:
Microcephaly, seizures, and developmental delay. Identifiers: Orphanet 1934, MedGen C3150667, MONDO:0013254, OMIM 613402.

Submission:

Institute of Human Genetics, University of Leipzig Medical Center
Classification: Uncertain significance for Microcephaly, seizures, and developmental delay. Last evaluated: 2020-12-08. Review status: criteria provided, single submitter. Criteria: ACMG Guidelines, 2015. Collection method: clinical testing. Allele origin: paternal. Inheritance: Autosomal recessive inheritance. Affected: yes. Observed: 1 compound heterozygote.
Comment: The variant is paternally inherited. This missense variant c.311T>C, p.(Leu104Pro) in exon 4 of PNKP has not been reported in public mutation databases. The variant is absent from the general population (gnomAD). Multiple in silico-tools predict this variant as damaging. Taken together, we classify this variant as of unknown significance based on the ACMG recommendations (Richards et al., 2015, PMID 25741868; criteria: PM2_SUP, PM3, PP3).